The following is an entry in ClinVar:

NM_017714.3(TASP1):c.675+1G>T

Gene: TASP1 (taspase 1; minus strand). Cytogenetic location: 20p12.1.
Variant type: single nucleotide variant.
Coding change: c.675+1G>T on transcript NM_017714.3 (MANE Select); the canonical splice donor site of the intron after coding-DNA position 675, G replaced by T.
Molecular consequence: splice donor variant. On other transcripts: intron variant (1).
Genome position (GRCh38, 1-based): chr20:13,559,007, C>A on the plus strand (G>T on the coding strand, the complement: TASP1 is on the minus strand). VCF-style: chr20-13559007-C-A. GRCh37 (hg19) VCF-style: chr20-13539654-C-A.
Other names: c.283-24866G>T (NM_001323602.2); c.369+1G>T (NM_001323604.2, NM_001323603.2).
Identifiers: ClinVar variation 1878237 (VCV001878237.2), dbSNP rs2515530219, ClinGen allele CA408290802.

ClinVar aggregate classification (germline): Likely pathogenic (1 of 4 stars; one submission).

Conditions:
Suleiman-El-Hattab syndrome. Identifiers: MedGen C5436458, MONDO:0033532, OMIM 618950.

Submission:

Women's Health and Genetics/Laboratory Corporation of America, LabCorp
Classification: Likely pathogenic for Suleiman-El-Hattab syndrome. Last evaluated: 2025-08-01. Review status: criteria provided, single submitter. Criteria: LabCorp Variant Classification Summary - May 2015. Collection method: clinical testing. Allele origin: germline.
Comment: Variant summary: TASP1 c.675+1G>T is located in a canonical splice-site and is predicted to affect mRNA splicing resulting in a significantly altered protein due to either exon skipping, shortening, or inclusion of intronic material. Variants that disrupt the consensus splice site are a relatively common cause of aberrant splicing and loss of TASP1 function. Several computational tools predict a significant impact on normal splicing: Three predict the variant abolishes a 5 splicing donor site. However, these predictions have yet to be confirmed by functional studies. The variant was absent in 1553424 control chromosomes. To our knowledge, no occurrence of c.675+1G>T in individuals affected with Suleiman El Hattab Syndrome and no experimental evidence demonstrating its impact on protein function have been reported. ClinVar contains an entry for this variant (Variation ID: 1878237). Based on the evidence outlined above, the variant was classified as likely pathogenic.